The following is an entry in ClinVar:

ClinVar aggregate classification (germline): Conflicting classifications of pathogenicity. Review status: criteria provided, conflicting classifications (1 of 4 stars). 9 submissions from 9 submitters: Uncertain significance (6); Likely benign (2). 1 of the submissions does not count toward it. Last evaluated 2026-05-27.

Conditions:
AXIN2-related disorder.
Hereditary cancer-predisposing syndrome. Also called: Neoplastic Syndromes, Hereditary; Tumor predisposition; Hereditary Cancer Syndrome; Hereditary neoplastic syndrome. Identifiers: Orphanet 140162, MedGen C0027672, MeSH D009386, MONDO:0015356.
Oligodontia-cancer predisposition syndrome. Also called: TOOTH AGENESIS-COLORECTAL CANCER SYNDROME. Identifiers: Orphanet 300576, MedGen C1837750, MONDO:0012075, OMIM 608615. Disease mechanism: loss of function.

Allele frequency attached by ClinVar (database versions not stated): TOPMed 0.00014; ExAC 0.00015; gnomAD exomes 0.00015; gnomAD 0.00019 and 0.00020; ESP Exome Variant Server 0.00031.
gnomAD v4.1: 210 of 1,600,510 alleles (0.013%); highest among the groups gnomAD compares: Admixed American, 0.04%; no homozygotes.

Submissions (9):

PreventionGenetics, part of Exact Sciences
Classification: Uncertain significance for AXIN2-related condition. Last evaluated: 2026-05-27. Review status: criteria provided, single submitter. Criteria: ACMG Guidelines, 2015. Collection method: clinical testing. Allele origin: germline.
Comment: The AXIN2 c.203G>A variant is predicted to result in the amino acid substitution p.Arg68Gln. This variant has been reported in an individual with attenuated adenomatous polyposis (Table 2, Lorca et al. 2019. PubMed ID: 31285513) and in an individual being tested for hereditary breast and ovarian cancer (Chrysafi et al. 2023. PubMed ID: 38136308). This variant is reported in 0.026% of alleles in individuals of Latino descent in gnomAD and has conflicting interpretations of pathogenicity in ClinVar of uncertain significance and likely benign (Variation ID: 127940). At this time, the clinical significance of this variant is uncertain due to the absence of conclusive functional and genetic evidence.

Labcorp Genetics (formerly Invitae), Labcorp
Classification: Uncertain significance for Oligodontia-cancer predisposition syndrome. Last evaluated: 2026-02-01. Review status: criteria provided, single submitter. Criteria: Invitae Variant Classification Sherloc (09022015). Collection method: clinical testing. Allele origin: germline.
Comment: This sequence change replaces arginine, which is basic and polar, with glutamine, which is neutral and polar, at codon 68 of the AXIN2 protein (p.Arg68Gln). This variant is present in population databases (rs138056036, gnomAD 0.03%). This missense change has been observed in individual(s) with clinical features of AXIN2-related conditions (PMID: 28944238, 31285513). ClinVar contains an entry for this variant (Variation ID: 127940). Invitae Evidence Modeling of protein sequence and biophysical properties (such as structural, functional, and spatial information, amino acid conservation, physicochemical variation, residue mobility, and thermodynamic stability) indicates that this missense variant is not expected to disrupt AXIN2 protein function with a negative predictive value of 80%. In summary, the available evidence is currently insufficient to determine the role of this variant in disease. Therefore, it has been classified as a Variant of Uncertain Significance.

Center for Genomic Medicine, Rigshospitalet, Copenhagen University Hospital
Classification: Uncertain significance. Last evaluated: 2025-12-29. Review status: criteria provided, single submitter. Criteria: ACMG Guidelines, 2015. Collection method: clinical testing. Allele origin: germline.
Comment: Classification criteria: BP4_moderat

Quest Diagnostics Nichols Institute San Juan Capistrano
Classification: Likely benign. Last evaluated: 2025-10-20. Review status: criteria provided, single submitter. Criteria: Quest Diagnostics criteria. Collection method: clinical testing. Allele origin: unknown.

GeneDx
Classification: Uncertain significance. Last evaluated: 2025-05-16. Review status: criteria provided, single submitter. Criteria: GeneDx Variant Classification Process June 2021. Collection method: clinical testing. Allele origin: germline. Affected: yes.
Comment: In silico analysis indicates that this missense variant does not alter protein structure/function; Identified in individuals with personal and/or family history of colon cancer, attenuated adenomatous polyposis, or breast and/or ovarian cancer (PMID: 28944238, 31285513, 27153395); This variant is associated with the following publications: (PMID: 28944238, 31285513, 38136308, 27153395)

Ambry Genetics
Classification: Likely benign for Hereditary cancer-predisposing syndrome. Last evaluated: 2023-04-26. Review status: criteria provided, single submitter. Criteria: Ambry Variant Classification Scheme 2023. Collection method: clinical testing. Allele origin: germline.

St. Jude Molecular Pathology, St. Jude Children's Research Hospital
Classification: Uncertain significance for Oligodontia-cancer predisposition syndrome. Last evaluated: 2022-07-25. Review status: criteria provided, single submitter. Criteria: St. Jude Assertion Criteria 2020. Collection method: clinical testing. Allele origin: germline.
Comment: The AXIN2 c.203G>A (p.Arg68Gln) missense change has a maximum subpopulation frequency of 0.026% in gnomAD v2.1.1. The in silico tool REVEL predicts a benign effect on protein function, but to our knowledge this prediction has not been confirmed by functional studies. This variant has been reported in at least one individual with attenuated adenomatous polyposis (PMID: 31285513). In summary, the evidence currently available is insufficient to determine the clinical significance of this variant. It has therefore been classified as of uncertain significance.

Sema4
Classification: Uncertain significance for Hereditary cancer-predisposing syndrome. Last evaluated: 2021-12-05. Review status: criteria provided, single submitter. Criteria: Sema4 Curation Guidelines. Collection method: curation. Allele origin: germline.
Comment: The AXIN2 c.203G>A (p.R68Q) variant has been reported in 2 individuals with colorectal cancer and attenuated adenomatous polyposis (PMID 28944238, 31285513). It was observed in 9/34930 chromosomes in the Latino population according to the Genome Aggregation Database (PMID: 32461654). This variant has been reported in ClinVar (Variation ID 127940). Functional studies have not been performed, and in silico predictions of the variant's effect on protein function are inconclusive. The overall evidence is insufficient to meet ACMG/AMP criteria for classifying it as benign or pathogenic. In summary, the clinical significance of this variant is currently uncertain.

Molecular Oncology Laboratory, Hospital Clínico San Carlos
Classification: Uncertain significance for Oligodontia-cancer predisposition syndrome. Last evaluated: 2018-06-01. Review status: no assertion criteria provided. Criteria: ACMG Guidelines, 2015. Collection method: clinical testing. Allele origin: germline. Inheritance: Autosomal dominant inheritance. Affected: yes. Not counted in ClinVar's aggregate classification.

Literature cited by the submitters: PubMed 28944238 (cited by 4 submitters); PubMed 31285513 (cited by 5 submitters); PubMed 27153395 (cited by Quest Diagnostics Nichols Institute San Juan Capistrano and Ambry Genetics); PubMed 38136308 (cited by Quest Diagnostics Nichols Institute San Juan Capistrano).

NM_004655.4(AXIN2):c.203G>A (p.Arg68Gln)

Gene: AXIN2 (axin 2; minus strand). Cytogenetic location: 17q24.1.
Variant type: single nucleotide variant.
Coding change: c.203G>A on transcript NM_004655.4 (MANE Select); coding-DNA position 203, G replaced by A.
Protein change: p.Arg68Gln; replaces arginine 68 with glutamine.
Molecular consequence: missense variant.
Genome position (GRCh38, 1-based): chr17:65,558,418, C>T on the plus strand (G>A on the coding strand, the complement: AXIN2 is on the minus strand). VCF-style: chr17-65558418-C-T. GRCh37 (hg19) VCF-style: chr17-63554536-C-T.
Other names: p.R68Q:CGG>CAG; c.203G>A, p.Arg68Gln (NM_001363813.1); c.203G>A (LRG_296t1); short protein forms R68Q.
Identifiers: ClinVar variation 127940 (VCV000127940.31), dbSNP rs138056036, ClinGen allele CA288095.